The following is an entry in ClinVar:

ClinVar aggregate classification (germline): Uncertain significance (1 of 4 stars; one submission).

Conditions:
Developmental and epileptic encephalopathy, 31A. Also called: Epileptic encephalopathy, early infantile, 31; Developmental and epileptic encephalopathy, 31. Identifiers: Orphanet 2382, MedGen C4225357, MONDO:0014598, OMIM 616346.

Allele frequency attached by ClinVar (database versions not stated): TOPMed 0.00002; ExAC 0.00001; gnomAD 0.00003; gnomAD exomes 0.00001.
gnomAD v4.1: 19 of 1,613,566 alleles (0.0012%); highest among the groups gnomAD compares: East Asian, 0.0089%; no homozygotes.

Submission:

Labcorp Genetics (formerly Invitae), Labcorp
Classification: Uncertain significance for Developmental and epileptic encephalopathy, 31A. Last evaluated: 2025-10-13. Review status: criteria provided, single submitter. Criteria: Invitae Variant Classification Sherloc (09022015). Collection method: clinical testing. Allele origin: germline.
Comment: This sequence change replaces asparagine, which is neutral and polar, with serine, which is neutral and polar, at codon 282 of the DNM1 protein (p.Asn282Ser). This variant is present in population databases (rs752130871, gnomAD 0.005%). This variant has not been reported in the literature in individuals affected with DNM1-related conditions. ClinVar contains an entry for this variant (Variation ID: 2741867). Invitae Evidence Modeling of protein sequence and biophysical properties (such as structural, functional, and spatial information, amino acid conservation, physicochemical variation, residue mobility, and thermodynamic stability) has been performed for this missense variant. However, the output from this modeling did not meet the statistical confidence thresholds required to predict the impact of this variant on DNM1 protein function. In summary, the available evidence is currently insufficient to determine the role of this variant in disease. Therefore, it has been classified as a Variant of Uncertain Significance.

NM_004408.4(DNM1):c.845A>G (p.Asn282Ser)

Gene: DNM1 (dynamin 1; plus strand). Cytogenetic location: 9q34.11.
Variant type: single nucleotide variant.
Coding change: c.845A>G on transcript NM_004408.4 (MANE Select); coding-DNA position 845, A replaced by G.
Protein change: p.Asn282Ser; replaces asparagine 282 with serine.
Molecular consequence: missense variant.
Genome position (GRCh38, 1-based): chr9:128,220,337, A>G. VCF-style: chr9-128220337-A-G. GRCh37 (hg19) VCF-style: chr9-130982616-A-G.
Other names: c.845A>G, p.Asn282Ser (NM_001005336.3, NM_001288737.2, NM_001288738.2 and 2 more transcripts); short protein forms N282S.
Identifiers: ClinVar variation 2741867 (VCV002741867.3), dbSNP rs752130871, ClinGen allele CA5257896.